The following is an entry in ClinVar:

ClinVar aggregate classification (germline): Benign/Likely benign. Review status: criteria provided, multiple submitters, no conflicts (2 of 4 stars). 2 submissions from 2 submitters: Benign (1); Likely benign (1). Last evaluated 2025-11-02.

Conditions:
Kabuki syndrome. Also called: Kabuki make-up syndrome; NIIKAWA-KUROKI SYNDROME. Identifiers: Orphanet 2322, MedGen C0796004, MONDO:0016512.

Allele frequency attached by ClinVar (database versions not stated): ExAC 0.00001; gnomAD exomes 0.00002; TOPMed 0.00002; gnomAD 0.00003.
gnomAD v4.1: 26 of 1,613,864 alleles (0.0016%); highest among the groups gnomAD compares: Non-Finnish European, 0.0021%; no homozygotes.

Submissions (2):

Labcorp Genetics (formerly Invitae), Labcorp
Classification: Benign for Kabuki syndrome. Last evaluated: 2025-11-02. Review status: criteria provided, single submitter. Criteria: Invitae Variant Classification Sherloc (09022015). Collection method: clinical testing. Allele origin: germline.

CeGaT Center for Human Genetics Tuebingen
Classification: Likely benign. Last evaluated: 2023-01-01. Review status: criteria provided, single submitter. Criteria: CeGaT Center For Human Genetics Tuebingen Variant Classification Criteria Version 2. Collection method: clinical testing. Allele origin: germline. Affected: yes. Observed: 1 variant allele.
Comment: KMT2D: PP2, BS1

NM_003482.4(KMT2D):c.7879T>C (p.Tyr2627His)

Gene: KMT2D (lysine methyltransferase 2D; minus strand). Cytogenetic location: 12q13.12.
Variant type: single nucleotide variant.
Coding change: c.7879T>C on transcript NM_003482.4 (MANE Select); coding-DNA position 7879, T replaced by C.
Protein change: p.Tyr2627His; replaces tyrosine 2627 with histidine.
Molecular consequence: missense variant.
Genome position (GRCh38, 1-based): chr12:49,039,891, A>G on the plus strand (T>C on the coding strand, the complement: KMT2D is on the minus strand). VCF-style: chr12-49039891-A-G. GRCh37 (hg19) VCF-style: chr12-49433674-A-G.
Other names: short protein forms Y2627H.
Identifiers: ClinVar variation 1383989 (VCV001383989.31), dbSNP rs748285379, ClinGen allele CA6546973.
Genomic context (GRCh38, chr12:49,039,891, plus strand): 5'-CTTCTCGCTTTTCGACAGGAGAGGTGATGCCTGATCGCTGTGAGGCTCCATGGGACAGGT[A>G]GGGGAGGGATCCGTCGGGTGCAGGTGGTGGCAGAACCGACGGAGGGCGTAGTGGGGACAG-3'
Protein context (NP_003473.3, residues 2617-2637): PPPAPDGSLP[Tyr2627His]LSHGASQRSG